The following is an entry in ClinVar:

NM_001849.4(COL6A2):c.773C>G (p.Ser258Cys)

Gene: COL6A2 (collagen type VI alpha 2 chain; plus strand). Cytogenetic location: 21q22.3.
Variant type: single nucleotide variant.
Coding change: c.773C>G on transcript NM_001849.4 (MANE Select); coding-DNA position 773, C replaced by G.
Protein change: p.Ser258Cys; replaces serine 258 with cysteine.
Molecular consequence: missense variant.
Genome position (GRCh38, 1-based): chr21:46,114,045, C>G. VCF-style: chr21-46114045-C-G. GRCh37 (hg19) VCF-style: chr21-47533959-C-G.
Other names: c.773C>G, p.Ser258Cys (NM_058174.3, NM_058175.3); short protein forms S258C.
Identifiers: ClinVar variation 393219 (VCV000393219.2), dbSNP rs770303583, ClinGen allele CA10071450.

ClinVar aggregate classification (germline): Uncertain significance (1 of 4 stars; one submission).

Allele frequency attached by ClinVar (database versions not stated): gnomAD exomes below 0.00001; TOPMed below 0.00001; ExAC 0.00001; gnomAD 0.00001.
gnomAD v4.1: 4 of 1,613,676 alleles (0.00025%); highest among the groups gnomAD compares: Admixed American, 0.0033%; no homozygotes.

Submission:

GeneDx
Classification: Uncertain significance. Last evaluated: 2017-01-26. Review status: criteria provided, single submitter. Criteria: GeneDx Variant Classification (06012015). Collection method: clinical testing. Allele origin: germline. Affected: yes.
Comment: A variant of uncertain significance has been identified in the COL6A2 gene. The S258C variant has not been published as a pathogenic variant, nor has it been reported as a benign variant to our knowledge. The S258C variant is not observed at a significant frequency in large population cohorts (Lek et al., 2016; 1000 Genomes Consortium et al., 2015; Exome Variant Server). The S258C variant is a non-conservative amino acid substitution, which is likely to impact secondary protein structure as these residues differ in polarity, charge, size and/or other properties. However, this substitution occurs at a position that is not conserved. In silico analysis is inconsistent in its predictions as to whether or not the variant is damaging to the protein structure/function. Therefore, based on the currently available information, it is unclear whether this variant is a pathogenic variant or a rare benign variant.